The following is an entry in ClinVar:

ClinVar aggregate classification (germline): Conflicting classifications of pathogenicity. Review status: criteria provided, conflicting classifications (1 of 4 stars). 2 submissions from 2 submitters: Uncertain significance (1); Likely benign (1). Last evaluated 2023-03-23.

Conditions:
Hereditary cancer-predisposing syndrome. Also called: Hereditary neoplastic syndrome; Neoplastic Syndromes, Hereditary; Tumor predisposition; Hereditary Cancer Syndrome. Identifiers: Orphanet 140162, MedGen C0027672, MeSH D009386, MONDO:0015356.
Hereditary breast ovarian cancer syndrome. Also called: Hereditary breast and/or ovarian cancer syndrome; Hereditary breast and ovarian cancer syndrome; Hereditary breast and ovarian cancer syndrome (HBOC); Breast and ovarian cancer; BRCA1- and BRCA2-Associated Hereditary Breast and Ovarian Cancer; Hereditary breast and ovarian cancer. Identifiers: Orphanet 145, MedGen C0677776, MeSH D061325, MONDO:0003582. Disease mechanism: loss of function.

Submissions (2):

University of Washington Department of Laboratory Medicine, University of Washington
Classification: Likely benign for Hereditary cancer-predisposing syndrome. Last evaluated: 2023-03-23. Review status: criteria provided, single submitter. Criteria: Dines et al. (Genet Med. 2020). Collection method: curation. Allele origin: germline.
Comment: Missense variant in a coldspot region where missense variants are very unlikely to be pathogenic (PMID:31911673).

BRCA1 coldspot (exon 11 using historical exon numbering). Reclassification based on statistical prior probability

Labcorp Genetics (formerly Invitae), Labcorp
Classification: Uncertain significance for Hereditary breast ovarian cancer syndrome. Last evaluated: 2019-08-21. Review status: criteria provided, single submitter. Criteria: Invitae Variant Classification Sherloc (09022015). Collection method: clinical testing. Allele origin: germline.
Comment: This sequence change replaces phenylalanine with leucine at codon 869 of the BRCA1 protein (p.Phe869Leu). The phenylalanine residue is highly conserved and there is a small physicochemical difference between phenylalanine and leucine. This variant is not present in population databases (ExAC no frequency). This variant has not been reported in the literature in individuals with BRCA1-related conditions. Algorithms developed to predict the effect of missense changes on protein structure and function are either unavailable or do not agree on the potential impact of this missense change (SIFT: "Deleterious"; PolyPhen-2: "Probably Damaging"; Align-GVGD: "Class C15"). In summary, the available evidence is currently insufficient to determine the role of this variant in disease. Therefore, it has been classified as a Variant of Uncertain Significance.

NM_007294.4(BRCA1):c.2607T>A (p.Phe869Leu)

Gene: BRCA1 (BRCA1 DNA repair associated; minus strand). Cytogenetic location: 17q21.31.
Variant type: single nucleotide variant.
Coding change: c.2607T>A on transcript NM_007294.4 (MANE Select); coding-DNA position 2607, T replaced by A.
Protein change: p.Phe869Leu; replaces phenylalanine 869 with leucine.
Molecular consequence: missense variant. On other transcripts: intron variant (137).
Genome position (GRCh38, 1-based): chr17:43,092,924, A>T on the plus strand (T>A on the coding strand, the complement: BRCA1 is on the minus strand). VCF-style: chr17-43092924-A-T. GRCh37 (hg19) VCF-style: chr17-41244941-A-T.
Other names: c.2481T>A, p.Phe827Leu (NM_001407686.1, NM_001407687.1, NM_001407688.1 and 11 more transcripts); c.2466T>A, p.Phe822Leu (NM_001407692.1, NM_001407694.1, NM_001407695.1 and 29 more transcripts); c.2463T>A, p.Phe821Leu (NM_001407740.1, NM_001407741.1, NM_001407742.1 and 20 more transcripts); c.2598T>A, p.Phe866Leu (NM_001407646.1, NM_001407647.1); c.2484T>A, p.Phe828Leu (NM_001407648.1, NM_001407664.1, NM_001407665.1 and 19 more transcripts); c.2607T>A, p.Phe869Leu (NM_001407652.1, NM_001407684.1, NM_001407854.1 and 30 more transcripts); c.2529T>A, p.Phe843Leu (NM_001407653.1, NM_001407654.1, NM_001407655.1 and 4 more transcripts); c.2526T>A, p.Phe842Leu (NM_001407659.1, NM_001407660.1, NM_001407661.1 and 1 more transcripts); and 41 more; short protein forms F822L, F869L, F573L, F757L, F821L, F843L, F866L, F868L.
Identifiers: ClinVar variation 949684 (VCV000949684.13), dbSNP rs2053730454, ClinGen allele CA10596781.